The following is an entry in ClinVar:

NM_000531.6(OTC):c.928G>T (p.Glu310Ter)

Gene: OTC (ornithine transcarbamylase; plus strand). Cytogenetic location: Xp11.4.
Variant type: single nucleotide variant.
Coding change: c.928G>T on transcript NM_000531.6 (MANE Select); coding-DNA position 928, G replaced by T.
Protein change: p.Glu310Ter; replaces glutamic acid 310 with a stop codon.
Molecular consequence: nonsense.
Genome position (GRCh38, 1-based): chrX:38,411,922, G>T. VCF-style: chrX-38411922-G-T. GRCh37 (hg19) VCF-style: chrX-38271175-G-T.
Other names: short protein forms E310*.
Identifiers: ClinVar variation 97361 (VCV000097361.2), dbSNP rs72558466, ClinGen allele CA224838.

ClinVar aggregate classification (germline): Pathogenic (0 of 4 stars; one submission).

Submission:

GenMed Metabolism Lab
Classification: Pathogenic. Review status: no assertion criteria provided. Collection method: not provided. Allele origin: unknown.
Comment: p.Glu310X, Neonatal
ClinVar note: Converted during submission from pathogenic to Pathogenic.